The following is an entry in ClinVar:

ClinVar aggregate classification (germline): Likely benign (1 of 4 stars; one submission).

Submission:

Women's Health and Genetics/Laboratory Corporation of America, LabCorp
Classification: Likely benign. Last evaluated: 2025-04-16. Review status: criteria provided, single submitter. Criteria: LabCorp Variant Classification Summary - May 2015. Collection method: clinical testing. Allele origin: germline.
Comment: Variant summary: SHANK1 c.1862-16dupT alters a nucleotide located at a position not widely known to affect splicing. Consensus agreement among computation tools predict no significant impact on normal splicing. However, these predictions have yet to be confirmed by functional studies. The variant was absent in 251358 control chromosomes. The available data on variant occurrences in the general population are insufficient to allow any conclusion about variant significance. To our knowledge, no occurrence of c.1862-16dupT in individuals affected with SHANK1-Related Disorders and no experimental evidence demonstrating its impact on protein function have been reported. No submitters have cited clinical-significance assessments for this variant to ClinVar. Based on the evidence outlined above, the variant was classified as likely benign.

NM_016148.5(SHANK1):c.1862-16dup

Gene: SHANK1 (SH3 and multiple ankyrin repeat domains 1; minus strand). Cytogenetic location: 19q13.33.
Variant type: Duplication.
Coding change: c.1862-16dup on transcript NM_016148.5 (MANE Select); 16 bases into the intron before coding-DNA position 1862, one base duplicated (T; older notation c.1862-16dupT).
Molecular consequence: intron variant.
Genome position (GRCh38, 1-based): chr19:50,697,680, A duplicated on the plus strand (T on the coding strand, the reverse complement: SHANK1 is on the minus strand). VCF-style (leftmost placement, unchanged base first): chr19-50697679-C-CA. GRCh37 (hg19) VCF-style: chr19-51200936-C-CA.
Other names: c.1862-16dupT (NM_016148.5).
Identifiers: ClinVar variation 3896246 (VCV003896246.2).